The following is an entry in ClinVar:

ClinVar aggregate classification (germline): Uncertain significance (1 of 4 stars; one submission).

Submission:

Labcorp Genetics (formerly Invitae), Labcorp
Classification: Uncertain significance. Last evaluated: 2024-07-12. Review status: criteria provided, single submitter. Criteria: Invitae Variant Classification Sherloc (09022015). Collection method: clinical testing. Allele origin: germline.
Comment: This sequence change falls in intron 15 of the TCIRG1 gene. It does not directly change the encoded amino acid sequence of the TCIRG1 protein. This variant is not present in population databases (gnomAD no frequency). This variant has not been reported in the literature in individuals affected with TCIRG1-related conditions. Algorithms developed to predict the effect of sequence changes on RNA splicing suggest that this variant may create or strengthen a splice site. In summary, the available evidence is currently insufficient to determine the role of this variant in disease. Therefore, it has been classified as a Variant of Uncertain Significance.

NM_006019.4(TCIRG1):c.1888-5G>A

Gene: TCIRG1 (T cell immune regulator 1, ATPase H+ transporting V0 subunit a3; plus strand). Cytogenetic location: 11q13.2.
Variant type: single nucleotide variant.
Coding change: c.1888-5G>A on transcript NM_006019.4 (MANE Select); 5 bases into the intron before coding-DNA position 1888, G replaced by A.
Molecular consequence: intron variant.
Genome position (GRCh38, 1-based): chr11:68,049,658, G>A. VCF-style: chr11-68049658-G-A. GRCh37 (hg19) VCF-style: chr11-67817125-G-A.
Other names: c.994-5G>A (NM_001351059.2); c.1240-5G>A (NM_006053.4).
Identifiers: ClinVar variation 3689502 (VCV003689502.2).